The following is an entry in ClinVar:

NM_000368.5(TSC1):c.952A>G (p.Met318Val)

Gene: TSC1 (TSC complex subunit 1; minus strand). Cytogenetic location: 9q34.13.
Variant type: single nucleotide variant.
Coding change: c.952A>G on transcript NM_000368.5 (MANE Select); coding-DNA position 952, A replaced by G.
Protein change: p.Met318Val; replaces methionine 318 with valine.
Molecular consequence: missense variant. On other transcripts: non-coding transcript variant (5), initiator codon variant (3), 5 prime UTR variant (2).
Genome position (GRCh38, 1-based): chr9:132,911,530, T>C on the plus strand (A>G on the coding strand, the complement: TSC1 is on the minus strand). VCF-style: chr9-132911530-T-C. GRCh37 (hg19) VCF-style: chr9-135786917-T-C.
Other names: c.952A>G, p.Met318Val (NM_001162426.2, NM_001406592.1, NM_001406596.1 and 16 more transcripts); c.799A>G, p.Met267Val (NM_001162427.2, NM_001406610.1, NM_001406611.1 and 2 more transcripts); c.589A>G, p.Met197Val (NM_001362177.2, NM_001406615.1, NM_001406616.1 and 10 more transcripts); c.1A>G, p.Met1Val (NM_001406627.1, NM_001406628.1, NM_001406626.1); c.-142A>G (NM_001406629.1, NM_001406630.1); short protein forms M1V, M267V, M318V, M197V.
Identifiers: ClinVar variation 4709634 (VCV004709634.1).

ClinVar aggregate classification (germline): Uncertain significance (1 of 4 stars; one submission).

Conditions:
Tuberous sclerosis 1 (TSC1). Identifiers: Orphanet 805, MedGen C1854465, MONDO:0008612, OMIM 191100.

gnomAD v4.1: 1 of 1,589,904 alleles (0.000063%); no homozygotes.

Submission:

Labcorp Genetics (formerly Invitae), Labcorp
Classification: Uncertain significance for Tuberous sclerosis 1. Last evaluated: 2025-10-31. Review status: criteria provided, single submitter. Criteria: Invitae Variant Classification Sherloc (09022015). Collection method: clinical testing. Allele origin: germline.
Comment: This sequence change replaces methionine, which is neutral and non-polar, with valine, which is neutral and non-polar, at codon 318 of the TSC1 protein (p.Met318Val). The frequency data for this variant in the population databases is considered unreliable, as metrics indicate poor data quality at this position in the gnomAD database. This variant has not been reported in the literature in individuals affected with TSC1-related conditions. Invitae Evidence Modeling of protein sequence and biophysical properties (such as structural, functional, and spatial information, amino acid conservation, physicochemical variation, residue mobility, and thermodynamic stability) indicates that this missense variant is not expected to disrupt TSC1 protein function with a negative predictive value of 95%. In summary, the available evidence is currently insufficient to determine the role of this variant in disease. Therefore, it has been classified as a Variant of Uncertain Significance.